The following is an entry in ClinVar:

NM_001142864.4(PIEZO1):c.6576_6590del (p.Phe2193_Val2197del)

Gene: PIEZO1 (piezo type mechanosensitive ion channel component 1 (Er blood group); minus strand). Cytogenetic location: 16q24.3.
Variant type: Deletion.
Coding change: c.6576_6590del on transcript NM_001142864.4 (MANE Select); coding-DNA positions 6576 to 6590, 15 bases deleted (CTTCATGTCGCTGGT).
Protein change: p.Phe2193_Val2197del.
Molecular consequence: inframe deletion. On other transcripts: inframe indel (1).
Genome position (GRCh38, 1-based): chr16:88,717,093-88,717,107, ACCAGCGACATGAAG deleted on the plus strand (CTTCATGTCGCTGGT on the coding strand, the reverse complement: PIEZO1 is on the minus strand); deleting any 15 consecutive bases within chr16:88,717,093-88,717,108 gives the same sequence; the c. name uses the placement nearest the transcript's 3' end. VCF-style (leftmost placement, unchanged base first): chr16-88717092-CACCAGCGACATGAAG-C. GRCh37 (hg19) VCF-style: chr16-88783500-CACCAGCGACATGAAG-C.
Other names: c.5117_5131delTCTTCATGTCGCTGG, p.Phe1707_Val1711del (NM_014745.1).
Identifiers: ClinVar variation 2434759 (VCV002434759.4), dbSNP rs2507828594, ClinGen allele CA2580092218.
Genomic context (GRCh38, chr16:88,717,092, plus strand): 5'-GCCCAGCTTCAGGGTGACGGTGACATCGATGGGCTGGTTGACAACCCCAACCACGGAGCG[CACCAGCGACATGAAG>C]AGCAGTGGGAACCAGATGATGGCGATGAGGAAGAGGATGATGAGGCCACCCATGCCGTAC-3'

ClinVar aggregate classification (germline): Conflicting classifications of pathogenicity. Review status: criteria provided, conflicting classifications (1 of 4 stars). 2 submissions from 2 submitters: Likely pathogenic (1); Uncertain significance (1). Last evaluated 2022-06-20.

Submissions (2):

Revvity Omics, Revvity
Classification: Uncertain significance. Last evaluated: 2022-06-20. Review status: criteria provided, single submitter. Criteria: ACMG Guidelines, 2015. Collection method: clinical testing. Allele origin: germline.

ARUP Laboratories, Molecular Genetics and Genomics, ARUP Laboratories
Classification: Likely pathogenic. Review status: criteria provided, single submitter. Criteria: ARUP Molecular Germline Variant Investigation Process 2024. Collection method: clinical testing. Allele origin: germline.
Comment: The PIEZO1 c.6576_6590del15; p.Phe2193_Val2197del variant, to our knowledge, is not reported in the medical literature or gene specific databases. This variant is also absent from the Genome Aggregation Database (v2.1.1), indicating it is not a common polymorphism. This variant deletes five amino acid residues leaving the rest of the protein in-frame, and the functional consequences are unknown. However, small in-frame deletions and insertions in PIEZO1 have been reported in association with dehydrated hereditary stomatocytosis (Albuisson 2013, Andolfo 2013, Imashuku 2016). Based on available information, this variant is considered to be likely pathogenic. Albuisson J et al. Dehydrated hereditary stomatocytosis linked to gain-of-function mutations in mechanically activated PIEZO1 ion channels. Nat Commun. 2013;4:1884. PMID: 23695678. Andolfo I et al. Multiple clinical forms of dehydrated hereditary stomatocytosis arise from mutations in PIEZO1. Blood. 2013 May 9;121(19):3925-35, S1-12. PMID: 23479567. Imashuku S et al. PIEZO1 gene mutation in a Japanese family with hereditary high phosphatidylcholine hemolytic anemia and hemochromatosis-induced diabetes mellitus. Int J Hematol. 2016 Jul;104(1):125-9. PMID: 26971963.